The following is an entry in ClinVar:

ClinVar aggregate classification (germline): Pathogenic (1 of 4 stars; one submission).

Allele frequency attached by ClinVar (database versions not stated): gnomAD 0.00001; gnomAD exomes 0.00001; TOPMed 0.00002.
gnomAD v4.1: 12 of 1,613,498 alleles (0.00074%); highest among the groups gnomAD compares: Non-Finnish European, 0.00093%; no homozygotes.

Submission:

Labcorp Genetics (formerly Invitae), Labcorp
Classification: Pathogenic. Last evaluated: 2023-07-30. Review status: criteria provided, single submitter. Criteria: Invitae Variant Classification Sherloc (09022015). Collection method: clinical testing. Allele origin: germline.
Comment: This sequence change creates a premature translational stop signal (p.Gln557*) in the GALNT3 gene. It is expected to result in an absent or disrupted protein product. Loss-of-function variants in GALNT3 are known to be pathogenic (PMID: 15133511, 20358599). This variant is present in population databases (no rsID available, gnomAD 0.002%). This variant has not been reported in the literature in individuals affected with GALNT3-related conditions. For these reasons, this variant has been classified as Pathogenic.

Literature cited by the submitters: PubMed 15133511; PubMed 20358599.

NM_004482.4(GALNT3):c.1669C>T (p.Gln557Ter)

Gene: GALNT3 (polypeptide N-acetylgalactosaminyltransferase 3; minus strand). Cytogenetic location: 2q24.3.
Variant type: single nucleotide variant.
Coding change: c.1669C>T on transcript NM_004482.4 (MANE Select); coding-DNA position 1669, C replaced by T.
Protein change: p.Gln557Ter; replaces glutamine 557 with a stop codon.
Molecular consequence: nonsense.
Genome position (GRCh38, 1-based): chr2:165,749,852, G>A on the plus strand (C>T on the coding strand, the complement: GALNT3 is on the minus strand). VCF-style: chr2-165749852-G-A. GRCh37 (hg19) VCF-style: chr2-166606362-G-A.
Other names: short protein forms Q557*.
Identifiers: ClinVar variation 2738290 (VCV002738290.3), dbSNP rs1409734825, ClinGen allele CA349028776.